The following is an entry in ClinVar:

ClinVar aggregate classification (germline): Conflicting classifications of pathogenicity. Review status: criteria provided, conflicting classifications (1 of 4 stars). 3 submissions from 3 submitters: Likely pathogenic (1); Uncertain significance (1). 1 of the submissions does not count toward it. Last evaluated 2026-01-11.

Conditions:
6-Pyruvoyl-tetrahydrobiopterin synthase deficiency. Also called: 6-Pyruvoyltetrahydropterin Synthase Deficiency; PTS-Related Tetrahydrobiopterin Deficiency; BH4-deficient hyperphenylalaninemia A; Hyperphenylalanemia, BH4-deficient, A; Hyperphenylalaninemia due to 6-pyruvoyl-tetrahydropterin synthase deficiency; HYPERPHENYLALANINEMIA, TETRAHYDROBIOPTERIN-DEFICIENT, DUE TO PTS DEFICIENCY. Identifiers: Orphanet 13, Orphanet 238583, MedGen C0878676, MONDO:0009863, OMIM 261640.

Allele frequency attached by ClinVar (database versions not stated): TOPMed 0.00001.

Submissions (3):

Labcorp Genetics (formerly Invitae), Labcorp
Classification: Uncertain significance for 6-Pyruvoyl-tetrahydrobiopterin synthase deficiency. Last evaluated: 2026-01-11. Review status: criteria provided, single submitter. Criteria: Invitae Variant Classification Sherloc (09022015). Collection method: clinical testing. Allele origin: germline.
Comment: This sequence change replaces alanine, which is neutral and non-polar, with glutamic acid, which is acidic and polar, at codon 83 of the PTS protein (p.Ala83Glu). This variant is not present in population databases (gnomAD no frequency). This variant has not been reported in the literature in individuals affected with PTS-related conditions. ClinVar contains an entry for this variant (Variation ID: 432083). An algorithm developed to predict the effect of missense changes on protein structure and function (PolyPhen-2) suggests that this variant is likely to be disruptive. In summary, the available evidence is currently insufficient to determine the role of this variant in disease. Therefore, it has been classified as a Variant of Uncertain Significance.

GeneDx
Classification: Likely pathogenic. Last evaluated: 2016-02-17. Review status: criteria provided, single submitter. Criteria: GeneDx Variant Classification (06012015). Collection method: clinical testing. Allele origin: germline. Affected: yes.
Comment: The A83E has also not been published as a pathogenic variant, nor has it been reported as a benign variant to our knowledge. The A83E variant is a non-conservative amino acid substitution, which is likely to impact secondary protein structure as these residues differ in polarity, charge, size and/or other properties. This substitution occurs at a position where amino acids with similar properties to Alanine are tolerated across species. In silico analysis is inconsistent in its predictions as to whether or not the variant is damaging to the protein structure/function. Missense variants in nearby residues (P87S/L, M80T) have been reported in the Human Gene Mutation Database in association with PTPS deficiency (Stenson et al., 2014), supporting the functional importance of this region of the protein. Therefore, this variant is likely pathogenic; however, the possibility that it is benign cannot be excluded.

Counsyl
Classification: Uncertain significance for 6-Pyruvoyl-tetrahydrobiopterin synthase deficiency. Last evaluated: 2018-12-18. Review status: no assertion criteria provided. Collection method: clinical testing. Allele origin: unknown. Not counted in ClinVar's aggregate classification.

NM_000317.3(PTS):c.248C>A (p.Ala83Glu)

Gene: PTS (6-pyruvoyltetrahydropterin synthase; plus strand). Cytogenetic location: 11q23.1.
Variant type: single nucleotide variant.
Coding change: c.248C>A on transcript NM_000317.3 (MANE Select); coding-DNA position 248, C replaced by A.
Protein change: p.Ala83Glu; replaces alanine 83 with glutamic acid.
Molecular consequence: missense variant.
Genome position (GRCh38, 1-based): chr11:112,233,167, C>A. VCF-style: chr11-112233167-C-A. GRCh37 (hg19) VCF-style: chr11-112103890-C-A.
Other names: short protein forms A83E.
Identifiers: ClinVar variation 432083 (VCV000432083.5), dbSNP rs775426269, ClinGen allele CA382627761.